The following is an entry in ClinVar:

ClinVar aggregate classification (germline): Uncertain significance (1 of 4 stars; one submission).

Conditions:
Hypertrophic cardiomyopathy. Also called: HYPERTROPHIC MYOCARDIOPATHY. Identifiers: Orphanet 217569, MedGen C0007194, MeSH D002312, MONDO:0005045, HP:0001639.

Submission:

All of Us Research Program, National Institutes of Health
Classification: Uncertain significance for Hypertrophic cardiomyopathy. Last evaluated: 2023-02-10. Review status: criteria provided, single submitter. Criteria: ACMG Guidelines, 2015. Collection method: clinical testing. Allele origin: germline. Inheritance: Autosomal dominant inheritance. Observed: 1 variant allele, 1 heterozygote.
Comment: This study involves interpretation of variants in research participants for the purpose of population health screening. Participant phenotype was not available at the time of variant classification. Additional details can be found in publication PMID: 35346344, PMCID: PMC8962531

NM_000256.3(MYBPC3):c.62T>A (p.Val21Glu)

Gene: MYBPC3 (myosin binding protein C3; minus strand). Cytogenetic location: 11p11.2.
Variant type: single nucleotide variant.
Coding change: c.62T>A on transcript NM_000256.3 (MANE Select); coding-DNA position 62, T replaced by A.
Protein change: p.Val21Glu; replaces valine 21 with glutamic acid.
Molecular consequence: missense variant.
Genome position (GRCh38, 1-based): chr11:47,351,469, A>T on the plus strand (T>A on the coding strand, the complement: MYBPC3 is on the minus strand). VCF-style: chr11-47351469-A-T. GRCh37 (hg19) VCF-style: chr11-47373020-A-T.
Other names: short protein forms V21E.
Identifiers: ClinVar variation 3069423 (VCV003069423.1), dbSNP rs1362750360, ClinGen allele CA380342002.